The following is an entry in ClinVar:

ClinVar aggregate classification (germline): Pathogenic. Review status: criteria provided, multiple submitters, no conflicts (2 of 4 stars). 3 submissions from 3 submitters: Pathogenic (2). 1 of the submissions does not count toward it. Last evaluated 2026-07-09.

Conditions:
Hypertrophic cardiomyopathy 4. Also called: Familial hypertrophic cardiomyopathy 4. Identifiers: MedGen C1861862, MONDO:0007268, OMIM 115197.
Hypertrophic cardiomyopathy. Also called: HYPERTROPHIC MYOCARDIOPATHY. Identifiers: Orphanet 217569, MedGen C0007194, MeSH D002312, MONDO:0005045, HP:0001639.

Submissions (3):

Institute of Human Genetics, University of Leipzig Medical Center
Classification: Pathogenic for Hypertrophic cardiomyopathy 4. Last evaluated: 2026-07-09. Review status: criteria provided, single submitter. Criteria: ACMG Guidelines, 2015. Collection method: clinical testing. Allele origin: unknown. Affected: yes.
Comment: Criteria applied: PVS1,PM2

Labcorp Genetics (formerly Invitae), Labcorp
Classification: Pathogenic for Hypertrophic cardiomyopathy. Last evaluated: 2022-07-13. Review status: criteria provided, single submitter. Criteria: Invitae Variant Classification Sherloc (09022015). Collection method: clinical testing. Allele origin: germline.
Comment: This variant is not present in population databases (gnomAD no frequency). For these reasons, this variant has been classified as Pathogenic. Algorithms developed to predict the effect of sequence changes on RNA splicing suggest that this variant may create or strengthen a splice site. ClinVar contains an entry for this variant (Variation ID: 164047). This premature translational stop signal has been observed in individual(s) with clinical features of MYBPC3-related conditions (PMID: 25611685, 27532257). This sequence change creates a premature translational stop signal (p.Ala1056Glyfs*9) in the MYBPC3 gene. It is expected to result in an absent or disrupted protein product. Loss-of-function variants in MYBPC3 are known to be pathogenic (PMID: 19574547).

Laboratory for Molecular Medicine, Mass General Brigham Personalized Medicine
Classification: Pathogenic for Hypertrophic cardiomyopathy. Last evaluated: 2013-03-04. Review status: no assertion criteria provided. Collection method: clinical testing. Allele origin: germline. Inheritance: Autosomal dominant inheritance. Observed: 1 variant allele. Not counted in ClinVar's aggregate classification.
Comment: proposed classification - variant undergoing re-assessment, contact laboratory

Literature cited by the submitters: PubMed 25611685 (cited by Labcorp Genetics (formerly Invitae), Labcorp); PubMed 27532257 (cited by Labcorp Genetics (formerly Invitae), Labcorp); PubMed 19574547 (cited by Labcorp Genetics (formerly Invitae), Labcorp).

NM_000256.3(MYBPC3):c.3166dup (p.Ala1056fs)

Gene: MYBPC3 (myosin binding protein C3; minus strand). Cytogenetic location: 11p11.2.
Variant type: Duplication.
Coding change: c.3166dup on transcript NM_000256.3 (MANE Select); coding-DNA position 3166, one base duplicated (G; older notation c.3166dupG).
Protein change: p.Ala1056fs; shifts the reading frame from alanine 1056.
Molecular consequence: frameshift variant.
Genome position (GRCh38, 1-based): chr11:47,333,581, C duplicated on the plus strand (G on the coding strand, the reverse complement: MYBPC3 is on the minus strand); the first of 2 consecutive C bases (chr11:47,333,581-47,333,582); duplicating either gives the same sequence. VCF-style (leftmost placement, unchanged base first): chr11-47333580-G-GC. GRCh37 (hg19) VCF-style: chr11-47355131-G-GC.
Other names: p.Ala1056GlyfsX9; c.3166dupG (NM_000256.3); short protein forms A1056fs.
Identifiers: ClinVar variation 164047 (VCV000164047.12), dbSNP rs727503174, ClinGen allele CA013565.